The following is an entry in ClinVar:

NM_006009.4(TUBA1A):c.427G>T (p.Gly143Trp)

Gene: TUBA1A (tubulin alpha 1a; minus strand). Cytogenetic location: 12q13.12.
Variant type: single nucleotide variant.
Coding change: c.427G>T on transcript NM_006009.4 (MANE Select); coding-DNA position 427, G replaced by T.
Protein change: p.Gly143Trp; replaces glycine 143 with tryptophan.
Molecular consequence: missense variant.
Genome position (GRCh38, 1-based): chr12:49,185,939, C>A on the plus strand (G>T on the coding strand, the complement: TUBA1A is on the minus strand). VCF-style: chr12-49185939-C-A. GRCh37 (hg19) VCF-style: chr12-49579722-C-A.
Other names: c.427G>T, p.Gly143Trp (NM_001270399.2); c.322G>T, p.Gly108Trp (NM_001270400.2); short protein forms G143W, G108W.
Identifiers: ClinVar variation 1358752 (VCV001358752.8), dbSNP rs1131691318, ClinGen allele CA384642679.
Genomic context (GRCh38, chr12:49,185,939, plus strand): 5'-TGCCATAATCAACTGAGAGACGTTCCATGAGCAGCGAGGTGAACCCAGAACCAGTTCCCC[C>A]ACCAAAGCTGTGGAAAACCAAGAAGCCCTGGAGACCCGTGCACTGGTCGGCCTATAACAA-3'
Protein context (NP_006000.2, residues 133-153): QGFLVFHSFG[Gly143Trp]GTGSGFTSLL

ClinVar aggregate classification (germline): Uncertain significance (1 of 4 stars; one submission).

Submission:

Labcorp Genetics (formerly Invitae), Labcorp
Classification: Uncertain significance. Last evaluated: 2021-06-12. Review status: criteria provided, single submitter. Criteria: Invitae Variant Classification Sherloc (09022015). Collection method: clinical testing. Allele origin: germline.
Comment: This sequence change replaces glycine with tryptophan at codon 143 of the TUBA1A protein (p.Gly143Trp). The glycine residue is highly conserved and there is a large physicochemical difference between glycine and tryptophan. This variant is not present in population databases (ExAC no frequency). This variant has not been reported in the literature in individuals with TUBA1A-related conditions. Algorithms developed to predict the effect of missense changes on protein structure and function (SIFT, PolyPhen-2, Align-GVGD) all suggest that this variant is likely to be disruptive, but these predictions have not been confirmed by published functional studies and their clinical significance is uncertain. In summary, the available evidence is currently insufficient to determine the role of this variant in disease. Therefore, it has been classified as a Variant of Uncertain Significance.